The following is an entry in ClinVar:

NM_001371986.1(UNC80):c.5995-3T>C

Gene: UNC80 (unc-80 subunit of NALCN channel complex; plus strand). Cytogenetic location: 2q34.
Variant type: single nucleotide variant.
Coding change: c.5995-3T>C on transcript NM_001371986.1 (MANE Select); 3 bases into the intron before coding-DNA position 5995, T replaced by C.
Molecular consequence: intron variant.
Genome position (GRCh38, 1-based): chr2:209,933,819, T>C. VCF-style: chr2-209933819-T-C. GRCh37 (hg19) VCF-style: chr2-210798543-T-C.
Other names: c.5797-3T>C (NM_032504.2); c.5782-3T>C (NM_182587.4).
Identifiers: ClinVar variation 1504282 (VCV001504282.6), dbSNP rs1430836374, ClinGen allele CA539391280.
Genomic context (GRCh38, chr2:209,933,819, plus strand): 5'-GAAATGAGAATGTGAGCTCGGGATTATTGTAGCTTTGTGAACTCTTCTTATACTGACTTC[T>C]AGGTAGGATTAATCATGTACTTTGTGCGGACCCCCTGCGAGTGGGGGATGGATGCCATTT-3'

ClinVar aggregate classification (germline): Uncertain significance (1 of 4 stars; one submission).

Allele frequency attached by ClinVar (database versions not stated): gnomAD exomes below 0.00001 and 0.00001.
gnomAD v4.1: 3 of 1,549,154 alleles (0.00019%); highest among the groups gnomAD compares: Admixed American, 0.002%; no homozygotes.

Submission:

Labcorp Genetics (formerly Invitae), Labcorp
Classification: Uncertain significance. Last evaluated: 2023-08-04. Review status: criteria provided, single submitter. Criteria: Invitae Variant Classification Sherloc (09022015). Collection method: clinical testing. Allele origin: germline.
Comment: In summary, the available evidence is currently insufficient to determine the role of this variant in disease. Therefore, it has been classified as a Variant of Uncertain Significance. Variants that disrupt the consensus splice site are a relatively common cause of aberrant splicing (PMID: 17576681, 9536098). Algorithms developed to predict the effect of sequence changes on RNA splicing suggest that this variant is not likely to affect RNA splicing. ClinVar contains an entry for this variant (Variation ID: 1504282). This variant has not been reported in the literature in individuals affected with UNC80-related conditions. This variant is present in population databases (no rsID available, gnomAD 0.004%). This sequence change falls in intron 37 of the UNC80 gene. It does not directly change the encoded amino acid sequence of the UNC80 protein. It affects a nucleotide within the consensus splice site.

Literature cited by the submitters: PubMed 17576681; PubMed 9536098.